The following is an entry in ClinVar:

NM_001371727.1(GABRB2):c.1191+254T>C

Gene: GABRB2 (gamma-aminobutyric acid type A receptor subunit beta2; minus strand). Cytogenetic location: 5q34.
Variant type: single nucleotide variant.
Coding change: c.1191+254T>C on transcript NM_001371727.1 (MANE Select); 254 bases into the intron after coding-DNA position 1191, T replaced by C.
Molecular consequence: intron variant.
Genome position (GRCh38, 1-based): chr5:161,326,114, A>G on the plus strand (T>C on the coding strand, the complement: GABRB2 is on the minus strand). VCF-style: chr5-161326114-A-G. GRCh37 (hg19) VCF-style: chr5-160753121-A-G.
Other names: c.1077+4769T>C (NM_000813.3); c.1191+254T>C (NM_021911.3).
Identifiers: ClinVar variation 669798 (VCV000669798.1), dbSNP rs138569742, ClinGen allele CA131019530.
Genomic context (GRCh38, chr5:161,326,114, plus strand): 5'-ATAATGACACTCTTGTCCTCTCAGTACAAATGAAAAGGATTCTCAAAATACGATCCATTT[A>G]ATTTCTTTCCCTAACACAACAACAATTCCTGAGTGAAACACTGAAGCTTAGGTTCACCAA-3'

ClinVar aggregate classification (germline): Likely benign (1 of 4 stars; one submission).

Allele frequency attached by ClinVar (database versions not stated): 1000 Genomes Project 30x 0.01280; 1000 Genomes Project 0.01298; TOPMed 0.01429; gnomAD 0.01462.
gnomAD v4.1: 2,315 of 152,280 alleles (1.5%); highest among the groups gnomAD compares: South Asian, 3.2%; 32 homozygotes.

Submission:

GeneDx
Classification: Likely benign. Last evaluated: 2018-06-16. Review status: criteria provided, single submitter. Criteria: GeneDx Variant Classification (06012015). Collection method: clinical testing. Allele origin: germline. Affected: yes.
Comment: This variant is considered likely benign or benign based on one or more of the following criteria: it is a conservative change, it occurs at a poorly conserved position in the protein, it is predicted to be benign by multiple in silico algorithms, and/or has population frequency not consistent with disease.